The following is an entry in ClinVar:

ClinVar aggregate classification (germline): Uncertain significance (1 of 4 stars; one submission).

Conditions:
RASopathy. Also called: rasopathies; Noonan spectrum disorder. Identifiers: Orphanet 536391, MedGen C5555857, MONDO:0021060.

Allele frequency attached by ClinVar (database versions not stated): gnomAD exomes below 0.00001.
gnomAD v4.1: 1 of 1,162,594 alleles (0.000086%); highest among the groups gnomAD compares: South Asian, 0.0013%; no homozygotes.

Submission:

Labcorp Genetics (formerly Invitae), Labcorp
Classification: Uncertain significance for RASopathy. Last evaluated: 2023-05-13. Review status: criteria provided, single submitter. Criteria: Invitae Variant Classification Sherloc (09022015). Collection method: clinical testing. Allele origin: germline.
Comment: In summary, the available evidence is currently insufficient to determine the role of this variant in disease. Therefore, it has been classified as a Variant of Uncertain Significance. Advanced modeling of protein sequence and biophysical properties (such as structural, functional, and spatial information, amino acid conservation, physicochemical variation, residue mobility, and thermodynamic stability) has been performed at Invitae for this missense variant, however the output from this modeling did not meet the statistical confidence thresholds required to predict the impact of this variant on BRAF protein function. This variant has not been reported in the literature in individuals affected with BRAF-related conditions. This variant is not present in population databases (gnomAD no frequency). This sequence change replaces glycine, which is neutral and non-polar, with alanine, which is neutral and non-polar, at codon 11 of the BRAF protein (p.Gly11Ala).

NM_004333.6(BRAF):c.32G>C (p.Gly11Ala)

Gene: BRAF (B-Raf proto-oncogene, serine/threonine kinase; minus strand). Cytogenetic location: 7q34.
Variant type: single nucleotide variant.
Coding change: c.32G>C on transcript NM_004333.6 (MANE Select); coding-DNA position 32, G replaced by C.
Protein change: p.Gly11Ala; replaces glycine 11 with alanine.
Molecular consequence: missense variant.
Genome position (GRCh38, 1-based): chr7:140,924,672, C>G on the plus strand (G>C on the coding strand, the complement: BRAF is on the minus strand). VCF-style: chr7-140924672-C-G. GRCh37 (hg19) VCF-style: chr7-140624472-C-G.
Other names: c.32G>C, p.Gly11Ala (NM_001354609.2, NM_001374244.1, NM_001374258.1 and 7 more transcripts); short protein forms G11A.
Identifiers: ClinVar variation 2803807 (VCV002803807.3), dbSNP rs1818679372, ClinGen allele CA369590234.